The following is an entry in ClinVar:

NM_001754.5(RUNX1):c.1134del (p.His378fs)

Gene: RUNX1 (RUNX family transcription factor 1; minus strand). Cytogenetic location: 21q22.12.
Variant type: Deletion.
Coding change: c.1134del on transcript NM_001754.5 (MANE Select); coding-DNA position 1134, one base deleted (C; older notation c.1134delC).
Protein change: p.His378fs; shifts the reading frame from histidine 378.
Molecular consequence: frameshift variant.
Genome position (GRCh38, 1-based): chr21:34,792,444, G deleted on the plus strand (C on the coding strand, the reverse complement: RUNX1 is on the minus strand). VCF-style (leftmost placement, unchanged base first): chr21-34792443-TG-T. GRCh37 (hg19) VCF-style: chr21-36164740-TG-T.
Other names: c.1053del, p.His351fs (NM_001001890.3); short protein forms H378fs, H351fs.
Identifiers: ClinVar variation 4629708 (VCV004629708.1).

ClinVar aggregate classification (germline): Likely pathogenic (1 of 4 stars; one submission).

Conditions:
Inborn genetic diseases. Identifiers: MedGen C0950123, MeSH D030342.

Submission:

Ambry Genetics
Classification: Likely pathogenic for Inborn genetic diseases. Last evaluated: 2025-11-13. Review status: criteria provided, single submitter. Criteria: Ambry Variant Classification Scheme 2023. Collection method: clinical testing. Allele origin: germline.
Comment: The c.1134delC variant, located in coding exon 8 of the RUNX1 gene, results from a deletion of one nucleotide at nucleotide position 1134, causing a translational frameshift with a predicted alternate stop codon (p.H378Qfs*216). This alteration occurs at the 3' terminus of thegene, is not expected to trigger nonsense-mediated mRNAdecay and results in the elongation of the protein by 112 amino acids. This frameshift impacts the last 20% of the native protein. However, frameshifts are typically deleterious in nature and a significant portion of the protein is affected, and the impacted region is critical for protein function (Ambry internal data). This variant is considered to be rare based on population cohorts in the Genome Aggregation Database (gnomAD). Based on the majority of available evidence to date, this variant is likely to be pathogenic.